The following is an entry in ClinVar:

ClinVar aggregate classification (germline): Uncertain significance (1 of 4 stars; one submission).

Conditions:
Intellectual developmental disorder, autosomal dominant 6, with or without seizures. Also called: GRIN2B-related developmental delay, intellectual disability and autism spectrum disorder; Intellectual disability, autosomal dominant 6. Identifiers: Orphanet 589547, MedGen C3151411, MONDO:0013509, OMIM 613970.
Developmental and epileptic encephalopathy, 27 (DEE27). Also called: GRIN2B-Related Neurodevelopmental Disorder; Epileptic encephalopathy, early infantile, 27. Identifiers: Orphanet 3451, MedGen C4015316, MONDO:0014505, OMIM 616139.

Allele frequency attached by ClinVar (database versions not stated): gnomAD exomes below 0.00001.
gnomAD v4.1: 2 of 1,610,744 alleles (0.00012%); highest among the groups gnomAD compares: Non-Finnish European, 0.00017%; no homozygotes.

Submission:

Labcorp Genetics (formerly Invitae), Labcorp
Classification: Uncertain significance for Developmental and epileptic encephalopathy, 27; Intellectual developmental disorder, autosomal dominant 6, with or without seizures. Last evaluated: 2025-02-19. Review status: criteria provided, single submitter. Criteria: Invitae Variant Classification Sherloc (09022015). Collection method: clinical testing. Allele origin: germline.
Comment: This sequence change replaces arginine, which is basic and polar, with histidine, which is basic and polar, at codon 774 of the GRIN2B protein (p.Arg774His). This variant is not present in population databases (gnomAD no frequency). This variant has not been reported in the literature in individuals affected with GRIN2B-related conditions. ClinVar contains an entry for this variant (Variation ID: 1718870). Invitae Evidence Modeling of protein sequence and biophysical properties (such as structural, functional, and spatial information, amino acid conservation, physicochemical variation, residue mobility, and thermodynamic stability) indicates that this missense variant is expected to disrupt GRIN2B protein function with a positive predictive value of 80%. In summary, the available evidence is currently insufficient to determine the role of this variant in disease. Therefore, it has been classified as a Variant of Uncertain Significance.

NM_000834.5(GRIN2B):c.2321G>A (p.Arg774His)

Gene: GRIN2B (glutamate ionotropic receptor NMDA type subunit 2B; minus strand). Cytogenetic location: 12p13.1.
Variant type: single nucleotide variant.
Coding change: c.2321G>A on transcript NM_000834.5 (MANE Select); coding-DNA position 2321, G replaced by A.
Protein change: p.Arg774His; replaces arginine 774 with histidine.
Molecular consequence: missense variant.
Genome position (GRCh38, 1-based): chr12:13,569,868, C>T on the plus strand (G>A on the coding strand, the complement: GRIN2B is on the minus strand). VCF-style: chr12-13569868-C-T. GRCh37 (hg19) VCF-style: chr12-13722802-C-T.
Other names: short protein forms R774H.
Identifiers: ClinVar variation 1718870 (VCV001718870.6), dbSNP rs2497481999, ClinGen allele CA383998030.